The following is an entry in ClinVar:

ClinVar aggregate classification (germline): Uncertain significance. Review status: criteria provided, multiple submitters, no conflicts (2 of 4 stars). 5 submissions from 5 submitters: Uncertain significance (5). Last evaluated 2024-11-13.

Conditions:
Inborn genetic diseases. Identifiers: MedGen C0950123, MeSH D030342.
Muscular dystrophy-dystroglycanopathy (congenital with brain and eye anomalies), type A2. Also called: MUSCULAR DYSTROPHY-DYSTROGLYCANOPATHY (CONGENITAL WITH BRAIN AND EYE ANOMALIES), TYPE A, 2; WALKER-WARBURG SYNDROME OR MUSCLE-EYE-BRAIN DISEASE, POMT2-RELATED. Identifiers: Orphanet 588, Orphanet 899, MedGen C3150411, MONDO:0013154, OMIM 613150.
Muscular dystrophy-dystroglycanopathy (congenital with impaired intellectual development), type B, 2. Also called: Muscular dystrophy-dystroglycanopathy (congenital with intellectual disability), type B2; MUSCULAR DYSTROPHY, CONGENITAL, POMT2-RELATED. Identifiers: MedGen C3150416, MONDO:0013160, OMIM 613156.
Autosomal recessive limb-girdle muscular dystrophy type 2N. Also called: Muscular dystrophy-dystroglycanopathy (limb-girdle), type C, 2; MUSCULAR DYSTROPHY-DYSTROGLYCANOPATHY, LIMB-GIRDLE, POMT2-RELATED. Identifiers: Orphanet 206559, MedGen C3150418, MONDO:0013162, OMIM 613158.

Allele frequency attached by ClinVar (database versions not stated): ExAC 0.00001; gnomAD exomes 0.00004 and 0.00002; TOPMed 0.00012; ESP Exome Variant Server 0.00015; gnomAD 0.00015 and 0.00016.
gnomAD v4.1: 82 of 1,614,080 alleles (0.0051%); highest among the groups gnomAD compares: African/African-American, 0.035%; no homozygotes.

Submissions (5):

Ambry Genetics
Classification: Uncertain significance for Inborn genetic diseases. Last evaluated: 2024-11-13. Review status: criteria provided, single submitter. Criteria: Ambry Variant Classification Scheme 2023. Collection method: clinical testing. Allele origin: germline.

Labcorp Genetics (formerly Invitae), Labcorp
Classification: Uncertain significance for Muscular dystrophy-dystroglycanopathy (congenital with impaired intellectual development), type B, 2; Muscular dystrophy-dystroglycanopathy (congenital with brain and eye anomalies), type A2; Autosomal recessive limb-girdle muscular dystrophy type 2N. Last evaluated: 2024-02-17. Review status: criteria provided, single submitter. Criteria: Invitae Variant Classification Sherloc (09022015). Collection method: clinical testing. Allele origin: germline.
Comment: This sequence change replaces glycine, which is neutral and non-polar, with serine, which is neutral and polar, at codon 441 of the POMT2 protein (p.Gly441Ser). This variant is present in population databases (rs199743727, gnomAD 0.04%). This variant has not been reported in the literature in individuals affected with POMT2-related conditions. ClinVar contains an entry for this variant (Variation ID: 502501). Advanced modeling of protein sequence and biophysical properties (such as structural, functional, and spatial information, amino acid conservation, physicochemical variation, residue mobility, and thermodynamic stability) has been performed at Invitae for this missense variant, however the output from this modeling did not meet the statistical confidence thresholds required to predict the impact of this variant on POMT2 protein function. In summary, the available evidence is currently insufficient to determine the role of this variant in disease. Therefore, it has been classified as a Variant of Uncertain Significance.

Revvity Omics, Revvity
Classification: Uncertain significance. Last evaluated: 2021-06-24. Review status: criteria provided, single submitter. Criteria: ACMG Guidelines, 2015. Collection method: clinical testing. Allele origin: germline.

Eurofins Ntd Llc (ga)
Classification: Uncertain significance. Last evaluated: 2017-06-13. Review status: criteria provided, single submitter. Criteria: EGL Classification Definitions 2015. Collection method: clinical testing. Allele origin: germline. Observed: 2 variant alleles, 2 heterozygotes.

Illumina Laboratory Services, Illumina
Classification: Uncertain significance for Autosomal recessive limb-girdle muscular dystrophy type 2N. Last evaluated: 2017-04-28. Review status: criteria provided, single submitter. Criteria: ICSL Variant Classification Criteria 13 December 2019. Collection method: clinical testing. Allele origin: germline.

NM_013382.7(POMT2):c.1321G>A (p.Gly441Ser)

Gene: POMT2 (protein O-mannosyltransferase 2; minus strand). Cytogenetic location: 14q24.3.
Variant type: single nucleotide variant.
Coding change: c.1321G>A on transcript NM_013382.7 (MANE Select); coding-DNA position 1321, G replaced by A.
Protein change: p.Gly441Ser; replaces glycine 441 with serine.
Molecular consequence: missense variant.
Genome position (GRCh38, 1-based): chr14:77,286,755, C>T on the plus strand (G>A on the coding strand, the complement: POMT2 is on the minus strand). VCF-style: chr14-77286755-C-T. GRCh37 (hg19) VCF-style: chr14-77753098-C-T.
Other names: short protein forms G441S.
Identifiers: ClinVar variation 502501 (VCV000502501.18), dbSNP rs199743727, ClinGen allele CA7285898.